The following is an entry in ClinVar:

ClinVar aggregate classification (germline): Pathogenic (1 of 4 stars; one submission).

Conditions:
X-linked agammaglobulinemia with growth hormone deficiency (IGHD3). Also called: AGAMMAGLOBULINEMIA AND ISOLATED GROWTH HORMONE DEFICIENCY, X-LINKED; ISOLATED GROWTH HORMONE DEFICIENCY, TYPE III, WITH AGAMMAGLOBULINEMIA; FLEISHER SYNDROME; HYPOGAMMAGLOBULINEMIA AND ISOLATED GROWTH HORMONE DEFICIENCY, X-LINKED; IGHD III; Isolated growth hormone deficiency type 3. Identifiers: Orphanet 231692, Orphanet 631, MedGen C0472813, MONDO:0010615, OMIM 307200.

Submission:

Labcorp Genetics (formerly Invitae), Labcorp
Classification: Pathogenic for X-linked agammaglobulinemia with growth hormone deficiency. Last evaluated: 2025-05-04. Review status: criteria provided, single submitter. Criteria: Invitae Variant Classification Sherloc (09022015). Collection method: clinical testing. Allele origin: germline.
Comment: This sequence change replaces arginine, which is basic and polar, with glycine, which is neutral and non-polar, at codon 525 of the BTK protein (p.Arg525Gly). This variant is not present in population databases (gnomAD no frequency). This missense change has been observed in individuals with X-linked agammaglobulinemia (PMID: 9545398, 29424453; internal data). ClinVar contains an entry for this variant (Variation ID: 663091). Invitae Evidence Modeling of protein sequence and biophysical properties (such as structural, functional, and spatial information, amino acid conservation, physicochemical variation, residue mobility, and thermodynamic stability) indicates that this missense variant is expected to disrupt BTK protein function with a positive predictive value of 95%. This variant disrupts the p.Arg525 amino acid residue in BTK. Other variant(s) that disrupt this residue have been determined to be pathogenic (PMID: 9445504, 11742281, 19039656). This suggests that this residue is clinically significant, and that variants that disrupt this residue are likely to be disease-causing. For these reasons, this variant has been classified as Pathogenic.

Literature cited by the submitters: PubMed 9545398; PubMed 29424453; PubMed 9445504; PubMed 11742281; PubMed 19039656.

NM_000061.3(BTK):c.1573C>G (p.Arg525Gly)

Gene: BTK (Bruton tyrosine kinase; minus strand). Cytogenetic location: Xq22.1.
Variant type: single nucleotide variant.
Coding change: c.1573C>G on transcript NM_000061.3 (MANE Select); coding-DNA position 1573, C replaced by G.
Protein change: p.Arg525Gly; replaces arginine 525 with glycine.
Molecular consequence: missense variant.
Genome position (GRCh38, 1-based): chrX:101,354,688, G>C on the plus strand (C>G on the coding strand, the complement: BTK is on the minus strand). VCF-style: chrX-101354688-G-C. GRCh37 (hg19) VCF-style: chrX-100609676-G-C.
Other names: c.1675C>G, p.Arg559Gly (NM_001287344.2); c.1045C>G, p.Arg349Gly (NM_001287345.2); short protein forms R559G, R349G, R525G.
Identifiers: ClinVar variation 663091 (VCV000663091.9), dbSNP rs886041149, ClinGen allele CA413922482.
Genomic context (GRCh38, chrX:101,354,688, plus strand): 5'-ACCTGGACAGGCCGAAATCAGATACTTTAACAACTCCTTGATCGTTTACCAAACAGTTTC[G>C]AGCTGCCTGTAGTGCAAACAGAGACCAGTGAGACTCCGTCCCCAGCACAGAGGTTAAAGG-3'
Protein context (NP_000052.1, residues 515-535): KQFLHRDLAA[Arg525Gly]NCLVNDQGVV